The following is an entry in ClinVar:

ClinVar aggregate classification (germline): Uncertain significance. Review status: criteria provided, multiple submitters, no conflicts (2 of 4 stars). 2 submissions from 2 submitters: Uncertain significance (2). Last evaluated 2026-01-26.

Conditions:
Myofibrillar myopathy 5. Also called: Filaminopathy (type); FILAMINOPATHY, AUTOSOMAL DOMINANT. Identifiers: Orphanet 171445, MedGen C1836050, MONDO:0012289, OMIM 609524.
Distal myopathy with posterior leg and anterior hand involvement. Also called: WILLIAMS DISTAL MYOPATHY. Identifiers: Orphanet 63273, MedGen C3279722, MONDO:0013550, OMIM 614065.
Hypertrophic cardiomyopathy 26. Also called: Cardiomyopathy, familial hypertrophic, 26. Identifiers: Orphanet 75249, MedGen C4310749, MONDO:0014883, OMIM 617047.

Submissions (2):

Labcorp Genetics (formerly Invitae), Labcorp
Classification: Uncertain significance for Distal myopathy with posterior leg and anterior hand involvement; Myofibrillar myopathy 5; Hypertrophic cardiomyopathy 26. Last evaluated: 2026-01-26. Review status: criteria provided, single submitter. Criteria: Invitae Variant Classification Sherloc (09022015). Collection method: clinical testing. Allele origin: germline.
Comment: This sequence change replaces threonine, which is neutral and polar, with asparagine, which is neutral and polar, at codon 1225 of the FLNC protein (p.Thr1225Asn). This variant is not present in population databases (gnomAD no frequency). This variant has not been reported in the literature in individuals affected with FLNC-related conditions. Invitae Evidence Modeling of protein sequence and biophysical properties (such as structural, functional, and spatial information, amino acid conservation, physicochemical variation, residue mobility, and thermodynamic stability) has been performed for this missense variant. However, the output from this modeling did not meet the statistical confidence thresholds required to predict the impact of this variant on FLNC protein function. In summary, the available evidence is currently insufficient to determine the role of this variant in disease. Therefore, it has been classified as a Variant of Uncertain Significance.

GeneDx
Classification: Uncertain significance. Last evaluated: 2025-06-07. Review status: criteria provided, single submitter. Criteria: GeneDx Variant Classification Process June 2021. Collection method: clinical testing. Allele origin: germline. Affected: yes.
Comment: Not observed at significant frequency in large population cohorts (gnomAD); In silico analysis supports that this missense variant has a deleterious effect on protein structure/function; Has not been previously published as pathogenic or benign to our knowledge

NM_001458.5(FLNC):c.3674C>A (p.Thr1225Asn)

Gene: FLNC (filamin C; plus strand). Cytogenetic location: 7q32.1.
Variant type: single nucleotide variant.
Coding change: c.3674C>A on transcript NM_001458.5 (MANE Select); coding-DNA position 3674, C replaced by A.
Protein change: p.Thr1225Asn; replaces threonine 1225 with asparagine.
Molecular consequence: missense variant.
Genome position (GRCh38, 1-based): chr7:128,845,139, C>A. VCF-style: chr7-128845139-C-A. GRCh37 (hg19) VCF-style: chr7-128485193-C-A.
Other names: c.3674C>A, p.Thr1225Asn (NM_001127487.2); short protein forms T1225N.
Identifiers: ClinVar variation 4537954 (VCV004537954.2).